The following is an entry in ClinVar:

NM_000481.4(AMT):c.806G>A (p.Gly269Asp)

Gene: AMT (aminomethyltransferase; minus strand). Cytogenetic location: 3p21.31.
Variant type: single nucleotide variant.
Coding change: c.806G>A on transcript NM_000481.4 (MANE Select); coding-DNA position 806, G replaced by A.
Protein change: p.Gly269Asp; replaces glycine 269 with aspartic acid.
Molecular consequence: missense variant. On other transcripts: non-coding transcript variant (1).
Genome position (GRCh38, 1-based): chr3:49,419,042, C>T on the plus strand (G>A on the coding strand, the complement: AMT is on the minus strand). VCF-style: chr3-49419042-C-T. GRCh37 (hg19) VCF-style: chr3-49456475-C-T.
Other names: c.674G>A, p.Gly225Asp (NM_001164710.2); c.638G>A, p.Gly213Asp (NM_001164711.2); c.806G>A, p.Gly269Asp (NM_001164712.2); short protein forms G269D, G213D, G225D.
Identifiers: ClinVar variation 11974 (VCV000011974.5), dbSNP rs121964981, ClinGen allele CA256141.

ClinVar aggregate classification (germline): Conflicting classifications of pathogenicity. Review status: criteria provided, conflicting classifications (1 of 4 stars). 4 submissions from 4 submitters: Likely pathogenic (2); Uncertain significance (1). 1 of the submissions does not count toward it. Last evaluated 2025-09-05.

Conditions:
Glycine encephalopathy 2 (GCE2). Identifiers: MedGen C5830559, MONDO:0958192, OMIM 620398.
Glycine encephalopathy. Also called: Nonketotic hyperglycinemia; Non-ketotic hyperglycinemia. Identifiers: Orphanet 407, MedGen C0751748, MONDO:0011612, HP:0008288.

Allele frequency attached by ClinVar (database versions not stated): gnomAD exomes below 0.00001.
gnomAD v4.1: 1 of 1,614,088 alleles (0.000062%); highest among the groups gnomAD compares: Non-Finnish European, 0.000085%; no homozygotes.

Submissions (4):

3billion
Classification: Likely pathogenic for Glycine encephalopathy 2. Last evaluated: 2025-09-05. Review status: criteria provided, single submitter. Criteria: ACMG Guidelines, 2015. Collection method: clinical testing. Allele origin: germline. Affected: yes.
Comment: The variant is observed at an extremely low frequency in the gnomAD v4.1.0 dataset (total allele frequency: <0.001%). Predicted Consequence/Location: Missense variant In silico tool predictions suggest damaging effect of the variant on gene or gene product [REVEL: 0.96 (>=0.6, sensitivity 0.68 and specificity 0.92); 3Cnet: 0.92 (> 0.75, sensitivity 0.96 and precision 0.92)]. The same nucleotide change resulting in the same amino acid change has been previously reported as pathogenic/likely pathogenic with strong evidence (ClinVar ID: VCV000011974 /PMID: 8005589). Therefore, this variant is classified as Likely pathogenic according to the recommendation of ACMG/AMP guideline.

Fulgent Genetics
Classification: Likely pathogenic for Glycine encephalopathy 2. Last evaluated: 2024-06-23. Review status: criteria provided, single submitter. Criteria: ACMG Guidelines, 2015. Collection method: clinical testing. Allele origin: germline.

Labcorp Genetics (formerly Invitae), Labcorp
Classification: Uncertain significance for Glycine encephalopathy. Last evaluated: 2022-05-04. Review status: criteria provided, single submitter. Criteria: Invitae Variant Classification Sherloc (09022015). Collection method: clinical testing. Allele origin: germline.
Comment: This sequence change replaces glycine, which is neutral and non-polar, with aspartic acid, which is acidic and polar, at codon 269 of the AMT protein (p.Gly269Asp). This variant is not present in population databases (gnomAD no frequency). This missense change has been observed in individual(s) with glycine encephalopathy (PMID: 8005589). ClinVar contains an entry for this variant (Variation ID: 11974). Advanced modeling of protein sequence and biophysical properties (such as structural, functional, and spatial information, amino acid conservation, physicochemical variation, residue mobility, and thermodynamic stability) performed at Invitae indicates that this missense variant is expected to disrupt AMT protein function. In summary, the available evidence is currently insufficient to determine the role of this variant in disease. Therefore, it has been classified as a Variant of Uncertain Significance.

OMIM
Classification: Pathogenic for GLYCINE ENCEPHALOPATHY 2. Last evaluated: 1994-06-01. Review status: no assertion criteria provided. Collection method: literature only. Allele origin: germline. Not counted in ClinVar's aggregate classification.

Literature cited by the submitters: PubMed 8005589 (cited by 3 submitters).